The following is an entry in ClinVar:

NM_000942.5(PPIB):c.416G>A (p.Ser139Asn)

Genes: PPIB (peptidylprolyl isomerase B; minus strand), SNX22 (sorting nexin 22; plus strand). Cytogenetic location: 15q22.31.
Variant type: single nucleotide variant.
Coding change: c.416G>A on transcript NM_000942.5 (MANE Select); coding-DNA position 416, G replaced by A.
Protein change: p.Ser139Asn; replaces serine 139 with asparagine.
Molecular consequence: missense variant. On other transcripts: 3 prime UTR variant (1), non-coding transcript variant (1).
Genome position (GRCh38, 1-based): chr15:64,156,837, C>T on the plus strand (G>A on the coding strand, the complement: PPIB is on the minus strand). VCF-style: chr15-64156837-C-T. GRCh37 (hg19) VCF-style: chr15-64449036-C-T.
Other names: c.*2329C>T (NM_024798.3); short protein forms S139N.
Identifiers: ClinVar variation 1445657 (VCV001445657.7), dbSNP rs150146348, ClinGen allele CA392817291.

ClinVar aggregate classification (germline): Uncertain significance. Review status: criteria provided, multiple submitters, no conflicts (2 of 4 stars). 2 submissions from 2 submitters: Uncertain significance (2). Last evaluated 2024-05-14.

Allele frequency attached by ClinVar (database versions not stated): gnomAD exomes below 0.00001; gnomAD 0.00001.
gnomAD v4.1: 4 of 1,614,074 alleles (0.00025%); highest among the groups gnomAD compares: African/African-American, 0.0027%; no homozygotes.

Submissions (2):

Women's Health and Genetics/Laboratory Corporation of America, LabCorp
Classification: Uncertain significance. Last evaluated: 2024-05-14. Review status: criteria provided, single submitter. Criteria: LabCorp Variant Classification Summary - May 2015. Collection method: clinical testing. Allele origin: germline.
Comment: Variant summary: PPIB c.416G>A (p.Ser139Asn) results in a conservative amino acid change located in the cyclophilin-type peptidyl-prolyl cis-trans isomerase domain (IPR002130) of the encoded protein sequence. Four of five in-silico tools predict a damaging effect of the variant on protein function. The variant was absent in 251488 control chromosomes (gnomAD). The available data on variant occurrences in the general population are insufficient to allow any conclusion about variant significance. c.416G>A has been reported in the literature in at least an individual affected with Osteogenesis Imperfecta. These report(s) do not provide unequivocal conclusions about association of the variant with Osteogenesis Imperfecta. To our knowledge, no experimental evidence demonstrating an impact on protein function has been reported. The following publication has been ascertained in the context of this evaluation (PMID: 27509835). ClinVar contains an entry for this variant (Variation ID: 1445657). Based on the evidence outlined above, the variant was classified as uncertain significance.

Labcorp Genetics (formerly Invitae), Labcorp
Classification: Uncertain significance. Last evaluated: 2022-07-19. Review status: criteria provided, single submitter. Criteria: Invitae Variant Classification Sherloc (09022015). Collection method: clinical testing. Allele origin: germline.
Comment: In summary, the available evidence is currently insufficient to determine the role of this variant in disease. Therefore, it has been classified as a Variant of Uncertain Significance. Algorithms developed to predict the effect of missense changes on protein structure and function (SIFT, PolyPhen-2, Align-GVGD) all suggest that this variant is likely to be disruptive. ClinVar contains an entry for this variant (Variation ID: 1445657). This missense change has been observed in individual(s) with osteogenesis imperfecta (PMID: 27509835). This variant is not present in population databases (gnomAD no frequency). This sequence change replaces serine, which is neutral and polar, with asparagine, which is neutral and polar, at codon 139 of the PPIB protein (p.Ser139Asn).

Literature cited by the submitters: PubMed 27509835 (cited by Women's Health and Genetics/Laboratory Corporation of America, LabCorp and Labcorp Genetics (formerly Invitae), Labcorp).